The following is an entry in ClinVar:

NM_001035.3(RYR2):c.14288A>G (p.Asn4763Ser)

Gene: RYR2 (ryanodine receptor 2; plus strand). Cytogenetic location: 1q43.
Variant type: single nucleotide variant.
Coding change: c.14288A>G on transcript NM_001035.3 (MANE Select); coding-DNA position 14288, A replaced by G.
Protein change: p.Asn4763Ser; replaces asparagine 4763 with serine.
Molecular consequence: missense variant.
Genome position (GRCh38, 1-based): chr1:237,806,273, A>G. VCF-style: chr1-237806273-A-G. GRCh37 (hg19) VCF-style: chr1-237969573-A-G.
Other names: c.14288A>G, p.Asn4763Ser (LRG_402t1); short protein forms N4763S.
Identifiers: ClinVar variation 201356 (VCV000201356.54), dbSNP rs794728803, ClinGen allele CA008206.

ClinVar aggregate classification (germline): Pathogenic/Likely pathogenic. Review status: criteria provided, multiple submitters, no conflicts (2 of 4 stars). 4 submissions from 4 submitters: Pathogenic (1); Likely pathogenic (3). Last evaluated 2024-09-16.

Conditions:
Cardiomyopathy (CMYO). Also called: Cardiomyopathies. Identifiers: Orphanet 167848, MedGen C0878544, MONDO:0004994, HP:0001638. Inheritance: Various modes of inheritance.
Catecholaminergic polymorphic ventricular tachycardia 1. Also called: RYR2-Related Catecholaminergic Polymorphic Ventricular Tachycardia; VENTRICULAR TACHYCARDIA, CATECHOLAMINERGIC POLYMORPHIC, 1, WITH OR WITHOUT ATRIAL DYSFUNCTION AND/OR DILATED CARDIOMYOPATHY; VENTRICULAR TACHYCARDIA, STRESS-INDUCED POLYMORPHIC 1. Identifiers: Orphanet 3286, MedGen C1631597, MONDO:0011484, OMIM 604772.

Submissions (4):

Labcorp Genetics (formerly Invitae), Labcorp
Classification: Pathogenic for Catecholaminergic polymorphic ventricular tachycardia 1. Last evaluated: 2024-09-16. Review status: criteria provided, single submitter. Criteria: Invitae Variant Classification Sherloc (09022015). Collection method: clinical testing. Allele origin: germline.
Comment: This sequence change replaces asparagine, which is neutral and polar, with serine, which is neutral and polar, at codon 4763 of the RYR2 protein (p.Asn4763Ser). This variant is not present in population databases (gnomAD no frequency). This missense change has been observed in individual(s) with catecholaminergic polymorphic ventricular tachycardia and/or sudden cardiac death (PMID: 29453246, 29915097, 31535183; internal data). In at least one individual the variant was observed to be de novo. ClinVar contains an entry for this variant (Variation ID: 201356). Invitae Evidence Modeling of protein sequence and biophysical properties (such as structural, functional, and spatial information, amino acid conservation, physicochemical variation, residue mobility, and thermodynamic stability) indicates that this missense variant is expected to disrupt RYR2 protein function with a positive predictive value of 95%. For these reasons, this variant has been classified as Pathogenic.

CHEO Genetics Diagnostic Laboratory, Children's Hospital of Eastern Ontario
Classification: Likely pathogenic for Cardiomyopathy. Last evaluated: 2019-08-13. Review status: criteria provided, single submitter. Criteria: ACMG Guidelines, 2015. Collection method: clinical testing. Allele origin: germline.

CeGaT Center for Human Genetics Tuebingen
Classification: Likely pathogenic. Last evaluated: 2018-08-01. Review status: criteria provided, single submitter. Criteria: CeGaT Center For Human Genetics Tuebingen Variant Classification Criteria Version 2. Collection method: clinical testing. Allele origin: germline. Affected: yes. Observed: 1 variant allele.

Stanford Center for Inherited Cardiovascular Disease, Stanford University
Classification: Likely pathogenic. Last evaluated: 2013-10-13. Review status: criteria provided, single submitter. Criteria: ACMG Guidelines, 2015. Collection method: provider interpretation. Allele origin: germline.

Literature cited by the submitters: PubMed 29453246 (cited by Labcorp Genetics (formerly Invitae), Labcorp); PubMed 29915097 (cited by Labcorp Genetics (formerly Invitae), Labcorp); PubMed 31535183 (cited by Labcorp Genetics (formerly Invitae), Labcorp).